The following is an entry in ClinVar:

NM_002715.4(PPP2CA):c.193C>T (p.Leu65Phe)

Gene: PPP2CA (protein phosphatase 2 catalytic subunit alpha; minus strand). Cytogenetic location: 5q31.1.
Variant type: single nucleotide variant.
Coding change: c.193C>T on transcript NM_002715.4 (MANE Select); coding-DNA position 193, C replaced by T.
Protein change: p.Leu65Phe; replaces leucine 65 with phenylalanine.
Molecular consequence: missense variant. On other transcripts: 5 prime UTR variant (1), non-coding transcript variant (1).
Genome position (GRCh38, 1-based): chr5:134,206,041, G>A on the plus strand (C>T on the coding strand, the complement: PPP2CA is on the minus strand). VCF-style: chr5-134206041-G-A. GRCh37 (hg19) VCF-style: chr5-133541732-G-A.
Other names: c.-3C>T (NM_001355019.2); short protein forms L65F.
Identifiers: ClinVar variation 1704797 (VCV001704797.2), dbSNP rs2481058432, ClinGen allele CA360994174.
Genomic context (GRCh38, chr5:134,206,041, plus strand): 5'-CTCCCATAAACAAGTAATTTGTATCTGGTGATTTGCCACCAATTCTAAACAGTTCCATGA[G>A]ATCATGAAATTGCCCATGCACATCTCCACAGACAGTAACTGGACATCGAACCTCTTGCAC-3'
Protein context (NP_002706.1, residues 55-75): CGDVHGQFHD[Leu65Phe]MELFRIGGKS

ClinVar aggregate classification (germline): Uncertain significance (1 of 4 stars; one submission).

Submission:

GeneDx
Classification: Uncertain significance. Last evaluated: 2022-03-07. Review status: criteria provided, single submitter. Criteria: GeneDx Variant Classification Process June 2021. Collection method: clinical testing. Allele origin: germline. Affected: yes.
Comment: Not observed at significant frequency in large population cohorts (gnomAD); In silico analysis supports that this missense variant has a deleterious effect on protein structure/function; Has not been previously published as pathogenic or benign to our knowledge